The following is an entry in ClinVar:

NM_000552.5(VWF):c.4162C>T (p.Gln1388Ter)

Gene: VWF (von Willebrand factor; minus strand). Cytogenetic location: 12p13.31.
Variant type: single nucleotide variant.
Coding change: c.4162C>T on transcript NM_000552.5 (MANE Select); coding-DNA position 4162, C replaced by T.
Protein change: p.Gln1388Ter; replaces glutamine 1388 with a stop codon.
Molecular consequence: nonsense.
Genome position (GRCh38, 1-based): chr12:6,019,256, G>A on the plus strand (C>T on the coding strand, the complement: VWF is on the minus strand). VCF-style: chr12-6019256-G-A. GRCh37 (hg19) VCF-style: chr12-6128422-G-A.
Other names: short protein forms Q1388*.
Identifiers: ClinVar variation 4075377 (VCV004075377.1).
Genomic context (GRCh38, chr12:6,019,256, plus strand): 5'-TCTTCTTCTTCAGGCCCTGGACGTAGCGGACAAAGTTCCGGGACATCCGTTGGGGCTCCT[G>A]GCTGGCCATCAGGAGCAGGGTGATGCGGGAGGCTTCAGGGCGGTCGATCTTGCTGAAGAT-3'

ClinVar aggregate classification (germline): Pathogenic (1 of 4 stars; one submission).

Conditions:
von Willebrand disease type 3 (VWD3). Also called: Type 3 Von Willebrand's disease; Type 3 VWD; Von Willebrand disease, severe form; V WD3; VON WILLEBRAND DISEASE, TYPE III. Identifiers: Orphanet 166096, MedGen C1264041, MONDO:0010191, OMIM 277480.

gnomAD v4.1: 1 of 1,613,888 alleles (0.000062%); no homozygotes.

Submission:

Genomics, Clalit Research Institute, Clalit Health Care
Classification: Pathogenic for von Willebrand disease type 3. Last evaluated: 2025-06-29. Review status: criteria provided, single submitter. Criteria: ACMG Guidelines, 2015. Collection method: clinical testing. Allele origin: germline. Inheritance: Autosomal recessive inheritance. Affected: yes. Observed: 1 homozygote.
Comment: Inheritance: The variant was identified in the Homozygous state in the sample. Variant type: Null variant in a gene where LOF is a known mechanism of disease. Predicted to undergo NMD. Frequency: The variant is rare, observed in 1 alleles out of 249,352 (0%) in the gnomAD reference population dataset.